The following is an entry in ClinVar:

NM_153365.3(TAPT1):c.496G>T (p.Gly166Cys)

Gene: TAPT1 (transmembrane anterior posterior transformation 1; minus strand). Cytogenetic location: 4p15.32.
Variant type: single nucleotide variant.
Coding change: c.496G>T on transcript NM_153365.3 (MANE Select); coding-DNA position 496, G replaced by T.
Protein change: p.Gly166Cys; replaces glycine 166 with cysteine.
Molecular consequence: missense variant.
Genome position (GRCh38, 1-based): chr4:16,191,477, C>A on the plus strand (G>T on the coding strand, the complement: TAPT1 is on the minus strand). VCF-style: chr4-16191477-C-A. GRCh37 (hg19) VCF-style: chr4-16193100-C-A.
Other names: p.Gly166Cys; short protein forms G166C.
Identifiers: ClinVar variation 708783 (VCV000708783.15), dbSNP rs75638932, ClinGen allele CA2867510.

ClinVar aggregate classification (germline): Benign. Review status: criteria provided, multiple submitters, no conflicts (2 of 4 stars). 4 submissions from 4 submitters: Benign (4). Last evaluated 2026-01-25.

Allele frequency attached by ClinVar (database versions not stated): gnomAD exomes 0.00061 and 0.00136; ExAC 0.00322; ESP Exome Variant Server 0.00645; gnomAD 0.00665 and 0.00705; TOPMed 0.00734; 1000 Genomes Project 0.00919; 1000 Genomes Project 30x 0.00999.

Submissions (7):

Labcorp Genetics (formerly Invitae), Labcorp
Classification: Benign. Last evaluated: 2026-01-25. Review status: criteria provided, single submitter. Criteria: Invitae Variant Classification Sherloc (09022015). Collection method: clinical testing. Allele origin: germline.

Mayo Clinic Laboratories, Mayo Clinic
Classification: Benign. Last evaluated: 2025-02-26. Review status: criteria provided, single submitter. Criteria: ACMG Guidelines, 2015. Collection method: clinical testing. Allele origin: germline. Observed: 2 variant alleles.
Comment: BS1, BS2

GeneDx
Classification: Benign. Last evaluated: 2020-06-29. Review status: criteria provided, single submitter. Criteria: GeneDx Variant Classification Process June 2021. Collection method: clinical testing. Allele origin: germline. Affected: yes.

Breakthrough Genomics
Classification: Benign. Review status: criteria provided, single submitter. Criteria: ACMG Guidelines, 2015. Collection method: not provided. Allele origin: germline. Inheritance: Autosomal recessive inheritance. Affected: yes.

Dr. Peter K. Rogan Lab, Western University
No classification provided (evidence only). Condition: Uterine corpus endometrial carcinoma. Review status: no classification provided. Collection method: in vitro. Allele origin: not applicable. Functional consequence: retained intron. Not counted in ClinVar's aggregate classification.

Dr. Peter K. Rogan Lab, Western University
No classification provided (evidence only). Condition: Cervical cancer. Review status: no classification provided. Collection method: in vitro. Allele origin: not applicable. Functional consequence: retained intron. Not counted in ClinVar's aggregate classification.

Dr. Peter K. Rogan Lab, Western University
No classification provided (evidence only). Condition: Ovarian serous cystadenocarcinoma. Review status: no classification provided. Collection method: in vitro. Allele origin: not applicable. Functional consequence: retained intron. Not counted in ClinVar's aggregate classification.